The following is an entry in ClinVar:

NM_001105206.3(LAMA4):c.694G>T (p.Ala232Ser)

Gene: LAMA4 (laminin subunit alpha 4; minus strand). Cytogenetic location: 6q21.
Variant type: single nucleotide variant.
Coding change: c.694G>T on transcript NM_001105206.3 (MANE Select); coding-DNA position 694, G replaced by T.
Protein change: p.Ala232Ser; replaces alanine 232 with serine.
Molecular consequence: missense variant.
Genome position (GRCh38, 1-based): chr6:112,191,660, C>A on the plus strand (G>T on the coding strand, the complement: LAMA4 is on the minus strand). VCF-style: chr6-112191660-C-A. GRCh37 (hg19) VCF-style: chr6-112512862-C-A.
Other names: c.694G>T, p.Ala232Ser (NM_001105207.3, NM_002290.5); short protein forms A232S.
Identifiers: ClinVar variation 2706984 (VCV002706984.3), dbSNP rs180891618, ClinGen allele CA3966082.

ClinVar aggregate classification (germline): Uncertain significance (1 of 4 stars; one submission).

Conditions:
Dilated cardiomyopathy 1JJ (CMD1JJ). Identifiers: Orphanet 154, MedGen C3808935, MONDO:0014095, OMIM 615235.

gnomAD v4.1: 6 of 1,613,792 alleles (0.00037%); highest among the groups gnomAD compares: African/African-American, 0.004%; no homozygotes.

Submission:

Labcorp Genetics (formerly Invitae), Labcorp
Classification: Uncertain significance for Dilated cardiomyopathy 1JJ. Last evaluated: 2023-08-20. Review status: criteria provided, single submitter. Criteria: Invitae Variant Classification Sherloc (09022015). Collection method: clinical testing. Allele origin: germline.
Comment: This sequence change replaces alanine, which is neutral and non-polar, with serine, which is neutral and polar, at codon 232 of the LAMA4 protein (p.Ala232Ser). This variant is present in population databases (rs180891618, gnomAD 0.007%). This variant has not been reported in the literature in individuals affected with LAMA4-related conditions. An algorithm developed to predict the effect of missense changes on protein structure and function (PolyPhen-2) suggests that this variant is likely to be disruptive. In summary, the available evidence is currently insufficient to determine the role of this variant in disease. Therefore, it has been classified as a Variant of Uncertain Significance.